The following is an entry in ClinVar:

ClinVar aggregate classification (germline): Benign (1 of 4 stars; one submission).

Allele frequency attached by ClinVar (database versions not stated): gnomAD 0.98640 and 0.98657; TOPMed 0.98718; 1000 Genomes Project 30x 0.98969; 1000 Genomes Project 0.99101.
gnomAD v4.1: 150,176 of 152,240 alleles (99%); highest among the groups gnomAD compares: Middle Eastern, 100%; 74,075 homozygotes.

Submission:

GeneDx
Classification: Benign. Last evaluated: 2018-06-14. Review status: criteria provided, single submitter. Criteria: GeneDx Variant Classification (06012015). Collection method: clinical testing. Allele origin: germline. Affected: yes.
Comment: This variant is considered likely benign or benign based on one or more of the following criteria: it is a conservative change, it occurs at a poorly conserved position in the protein, it is predicted to be benign by multiple in silico algorithms, and/or has population frequency not consistent with disease.

NM_000168.6(GLI3):c.125-263A>G

Gene: GLI3 (GLI family zinc finger 3; minus strand). Cytogenetic location: 7p14.1.
Variant type: single nucleotide variant.
Coding change: c.125-263A>G on transcript NM_000168.6 (MANE Select); 263 bases into the intron before coding-DNA position 125, A replaced by G.
Molecular consequence: intron variant.
Genome position (GRCh38, 1-based): chr7:42,148,731, T>C on the plus strand (A>G on the coding strand, the complement: GLI3 is on the minus strand). VCF-style: chr7-42148731-T-C. GRCh37 (hg19) VCF-style: chr7-42188330-T-C.
Identifiers: ClinVar variation 683170 (VCV000683170.1), dbSNP rs846374, ClinGen allele CA157278776.